The following is an entry in ClinVar:

ClinVar aggregate classification (germline): Uncertain significance. Review status: criteria provided, multiple submitters, no conflicts (2 of 4 stars). 3 submissions from 3 submitters: Uncertain significance (3). Last evaluated 2026-01-28.

Allele frequency attached by ClinVar (database versions not stated): gnomAD 0.00002 and 0.00003; TOPMed 0.00003; gnomAD exomes 0.00005 and 0.00006; ExAC 0.00008; ESP Exome Variant Server 0.00008; 1000 Genomes Project 30x 0.00016; 1000 Genomes Project 0.00020.
gnomAD v4.1: 78 of 1,614,028 alleles (0.0048%); highest among the groups gnomAD compares: South Asian, 0.016%; 1 homozygote.

Submissions (3):

Labcorp Genetics (formerly Invitae), Labcorp
Classification: Uncertain significance. Last evaluated: 2026-01-28. Review status: criteria provided, single submitter. Criteria: Invitae Variant Classification Sherloc (09022015). Collection method: clinical testing. Allele origin: germline.
Comment: This sequence change replaces glycine, which is neutral and non-polar, with serine, which is neutral and polar, at codon 711 of the MICAL1 protein (p.Gly711Ser). This variant is present in population databases (rs143283451, gnomAD 0.02%). This missense change has been observed in individual(s) with MICAL1-related conditions (PMID: 33057194). ClinVar contains an entry for this variant (Variation ID: 1494297). An algorithm developed to predict the effect of missense changes on protein structure and function outputs the following: PolyPhen-2: "Benign". The serine amino acid residue is found in multiple mammalian species, which suggests that this missense change does not adversely affect protein function. In summary, the available evidence is currently insufficient to determine the role of this variant in disease. Therefore, it has been classified as a Variant of Uncertain Significance.

Ambry Genetics
Classification: Uncertain significance. Last evaluated: 2025-04-07. Review status: criteria provided, single submitter. Criteria: Ambry Variant Classification Scheme 2023. Collection method: clinical testing. Allele origin: germline.

Breakthrough Genomics
Classification: Uncertain significance. Review status: criteria provided, single submitter. Criteria: ACMG Guidelines, 2015. Collection method: not provided. Allele origin: germline. Inheritance: Unknown mechanism. Affected: yes.

Literature cited by the submitters: PubMed 33057194 (cited by Labcorp Genetics (formerly Invitae), Labcorp).

NM_022765.4(MICAL1):c.2074G>A (p.Gly692Ser)

Gene: MICAL1 (microtubule associated monooxygenase, calponin and LIM domain containing 1; minus strand). Cytogenetic location: 6q21.
Variant type: single nucleotide variant.
Coding change: c.2074G>A on transcript NM_022765.4 (MANE Select); coding-DNA position 2074, G replaced by A.
Protein change: p.Gly692Ser; replaces glycine 692 with serine.
Molecular consequence: missense variant.
Genome position (GRCh38, 1-based): chr6:109,447,226, C>T on the plus strand (G>A on the coding strand, the complement: MICAL1 is on the minus strand). VCF-style: chr6-109447226-C-T. GRCh37 (hg19) VCF-style: chr6-109768429-C-T.
Other names: c.1816G>A, p.Gly606Ser (NM_001159291.2); c.2131G>A, p.Gly711Ser (NM_001286613.2); c.2074G>A (NM_022765.3); short protein forms G692S, G606S, G711S.
Identifiers: ClinVar variation 1494297 (VCV001494297.10), dbSNP rs143283451, ClinGen allele CA3953063.